The following is an entry in ClinVar:

NM_015506.3(MMACHC):c.113C>T (p.Ala38Val)

Gene: MMACHC (metabolism of cobalamin associated C; plus strand). Cytogenetic location: 1p34.1.
Variant type: single nucleotide variant.
Coding change: c.113C>T on transcript NM_015506.3 (MANE Select); coding-DNA position 113, C replaced by T.
Protein change: p.Ala38Val; replaces alanine 38 with valine.
Molecular consequence: missense variant. On other transcripts: 5 prime UTR variant (1).
Genome position (GRCh38, 1-based): chr1:45,507,387, C>T. VCF-style: chr1-45507387-C-T. GRCh37 (hg19) VCF-style: chr1-45973059-C-T.
Other names: c.-59C>T (NM_001330540.2); short protein forms A38V.
Identifiers: ClinVar variation 4525859 (VCV004525859.1).

ClinVar aggregate classification (germline): Uncertain significance (1 of 4 stars; one submission).

Submission:

Women's Health and Genetics/Laboratory Corporation of America, LabCorp
Classification: Uncertain significance. Last evaluated: 2025-07-16. Review status: criteria provided, single submitter. Criteria: LabCorp Variant Classification Summary - May 2015. Collection method: clinical testing. Allele origin: germline.
Comment: Variant summary: MMACHC c.113C>T (p.Ala38Val) results in a non-conservative amino acid change in the encoded protein sequence. Algorithms developed to predict the effect of missense changes on protein structure and function all suggest that this variant is likely to be disruptive. The variant was absent in 249454 control chromosomes. The available data on variant occurrences in the general population are insufficient to allow any conclusion about variant significance. To our knowledge, no occurrence of c.113C>T in individuals affected with Methylmalonic Acidemia With Homocystinuria and no experimental evidence demonstrating its impact on protein function have been reported. No submitters have cited clinical-significance assessments for this variant to ClinVar. Based on the evidence outlined above, the variant was classified as uncertain significance.